The following is an entry in ClinVar:

ClinVar aggregate classification (germline): Conflicting classifications of pathogenicity. Review status: criteria provided, conflicting classifications (1 of 4 stars). 4 submissions from 4 submitters: Uncertain significance (1); Likely benign (2). 1 of the submissions does not count toward it. Last evaluated 2026-01-20.

Conditions:
NR2E3-related disorder. Also called: NR2E3-related disorders; NR2E3-related condition. Identifiers: MedGen CN239387.
Goldmann-Favre syndrome. Identifiers: Orphanet 53540, MedGen C0339541, MONDO:0100289.

Allele frequency attached by ClinVar (database versions not stated): gnomAD 0.00009; ExAC 0.00016; TOPMed 0.00018; 1000 Genomes Project 0.00020; 1000 Genomes Project 30x 0.00031; gnomAD exomes 0.00043.

Submissions (4):

Labcorp Genetics (formerly Invitae), Labcorp
Classification: Likely benign. Last evaluated: 2026-01-20. Review status: criteria provided, single submitter. Criteria: Invitae Variant Classification Sherloc (09022015). Collection method: clinical testing. Allele origin: germline.

PreventionGenetics, part of Exact Sciences
Classification: Likely benign for NR2E3-related condition. Last evaluated: 2025-07-07. Review status: criteria provided, single submitter. Criteria: ACMG Guidelines, 2015. Collection method: clinical testing. Allele origin: germline.
Comment: This variant is classified as likely benign based on ACMG/AMP sequence variant interpretation guidelines (Richards et al. 2015 PMID: 25741868, with internal and published modifications).

Blueprint Genetics
Classification: Uncertain significance. Last evaluated: 2024-06-14. Review status: criteria provided, single submitter. Criteria: ACMG Guidelines, 2015. Collection method: clinical testing. Allele origin: germline.

Natera, Inc.
Classification: Uncertain significance for Goldmann-Favre syndrome. Last evaluated: 2020-04-17. Review status: no assertion criteria provided. Collection method: clinical testing. Allele origin: germline. Not counted in ClinVar's aggregate classification.

NM_014249.4(NR2E3):c.374G>A (p.Arg125Gln)

Gene: NR2E3 (nuclear receptor subfamily 2 group E member 3; plus strand). Cytogenetic location: 15q23.
Variant type: single nucleotide variant.
Coding change: c.374G>A on transcript NM_014249.4 (MANE Select); coding-DNA position 374, G replaced by A.
Protein change: p.Arg125Gln; replaces arginine 125 with glutamine.
Molecular consequence: missense variant.
Genome position (GRCh38, 1-based): chr15:71,811,979, G>A. VCF-style: chr15-71811979-G-A. GRCh37 (hg19) VCF-style: chr15-72104319-G-A.
Other names: c.374G>A, p.Arg125Gln (NM_016346.4); c.374G>A (NM_014249.3); short protein forms R125Q.
Identifiers: ClinVar variation 991924 (VCV000991924.12), dbSNP rs528986571, ClinGen allele CA7640305.
Genomic context (GRCh38, chr15:71,811,979, plus strand): 5'-ACTGGCGTGTCGTCCTGACCCTTCCTGCCTCCCCAGCCGTGCAGAACGAGCGCCAGCCGC[G>A]AAGCACAGCCCAGGTCCACCTGGACAGCATGGAGTCCAACACTGAGTCCCGGCCGGAGTC-3'
Protein context (NP_055064.1, residues 115-135): QDAVQNERQP[Arg125Gln]STAQVHLDSM